The following is an entry in ClinVar:

NM_000051.4(ATM):c.6373C>T (p.His2125Tyr)

Genes: ATM (ATM serine/threonine kinase; plus strand), C11orf65 (chromosome 11 open reading frame 65; minus strand). Cytogenetic location: 11q22.3.
Variant type: single nucleotide variant.
Coding change: c.6373C>T on transcript NM_000051.4 (MANE Select); coding-DNA position 6373, C replaced by T.
Protein change: p.His2125Tyr; replaces histidine 2125 with tyrosine.
Molecular consequence: missense variant. On other transcripts: intron variant (2).
Genome position (GRCh38, 1-based): chr11:108,319,979, C>T. VCF-style: chr11-108319979-C-T. GRCh37 (hg19) VCF-style: chr11-108190706-C-T.
Other names: c.6373C>T, p.His2125Tyr (NM_001351834.2); c.641-10908G>A (NM_001330368.2); c.*39-10908G>A (NM_001351110.2); short protein forms H2125Y.
Identifiers: ClinVar variation 481348 (VCV000481348.26), dbSNP rs1201879809, ClinGen allele CA382553255.
Genomic context (GRCh38, chr11:108,319,979, plus strand): 5'-TTTAAGTATATTTTTTTCTTTGACTTATCTCACAGCAAAGAAGTAGAAGGAACCAGTTAC[C>T]ATGAATCATTGTACAATGCTCTACAATCTCTAAGAGACAGAGAATTCTCTACATTTTATG-3'
Protein context (NP_000042.3, residues 2115-2135): VSKEVEGTSY[His2125Tyr]ESLYNALQSL

ClinVar aggregate classification (germline): Uncertain significance. Review status: criteria provided, multiple submitters, no conflicts (2 of 4 stars). 4 submissions from 4 submitters: Uncertain significance (3). 1 of the submissions does not count toward it. Last evaluated 2025-09-24.

Conditions:
Hereditary cancer-predisposing syndrome. Also called: Neoplastic Syndromes, Hereditary; Hereditary Cancer Syndrome; Tumor predisposition; Hereditary neoplastic syndrome. Identifiers: Orphanet 140162, MedGen C0027672, MeSH D009386, MONDO:0015356.
Ataxia-telangiectasia syndrome (AT). Also called: LOUIS-BAR SYNDROME; Cerebello-oculocutaneous telangiectasia; Immunodeficiency with ataxia telangiectasia; Ataxia-telangiectasia, complementation group D; AT, COMPLEMENTATION GROUP C; Ataxia-telangiectasia, complementation group E. Identifiers: Orphanet 100, MedGen C0004135, MONDO:0008840, OMIM 208900.

Allele frequency attached by ClinVar (database versions not stated): gnomAD exomes below 0.00001 and 0.00001.
gnomAD v4.1: 2 of 1,612,380 alleles (0.00012%); highest among the groups gnomAD compares: East Asian, 0.0045%; no homozygotes.

Submissions (4):

Quest Diagnostics Nichols Institute San Juan Capistrano
Classification: Uncertain significance. Last evaluated: 2025-09-24. Review status: criteria provided, single submitter. Criteria: Quest Diagnostics criteria. Collection method: clinical testing. Allele origin: unknown.

Labcorp Genetics (formerly Invitae), Labcorp
Classification: Uncertain significance for Ataxia-telangiectasia syndrome. Last evaluated: 2025-08-05. Review status: criteria provided, single submitter. Criteria: Invitae Variant Classification Sherloc (09022015). Collection method: clinical testing. Allele origin: germline.
Comment: This sequence change replaces histidine, which is basic and polar, with tyrosine, which is neutral and polar, at codon 2125 of the ATM protein (p.His2125Tyr). This variant is present in population databases (no rsID available, gnomAD 0.01%). This variant has not been reported in the literature in individuals affected with ATM-related conditions. ClinVar contains an entry for this variant (Variation ID: 481348). Invitae Evidence Modeling of protein sequence and biophysical properties (such as structural, functional, and spatial information, amino acid conservation, physicochemical variation, residue mobility, and thermodynamic stability) has been performed for this missense variant. However, the output from this modeling did not meet the statistical confidence thresholds required to predict the impact of this variant on ATM protein function. In summary, the available evidence is currently insufficient to determine the role of this variant in disease. Therefore, it has been classified as a Variant of Uncertain Significance.

Ambry Genetics
Classification: Uncertain significance for Hereditary cancer-predisposing syndrome. Last evaluated: 2023-11-29. Review status: criteria provided, single submitter. Criteria: Ambry Variant Classification Scheme 2023. Collection method: clinical testing. Allele origin: germline.
Comment: The p.H2125Y variant (also known as c.6373C>T), located in coding exon 43 of the ATM gene, results from a C to T substitution at nucleotide position 6373. The histidine at codon 2125 is replaced by tyrosine, an amino acid with similar properties. This amino acid position is highly conserved in available vertebrate species. In addition, this alteration is predicted to be deleterious by in silico analysis. Since supporting evidence is limited at this time, the clinical significance of this alteration remains unclear.

Natera, Inc.
Classification: Uncertain significance for Ataxia-telangiectasia. Last evaluated: 2020-08-12. Review status: no assertion criteria provided. Collection method: clinical testing. Allele origin: germline. Not counted in ClinVar's aggregate classification.